The following is an entry in ClinVar:

NM_017636.4(TRPM4):c.268-3C>T

Gene: TRPM4 (transient receptor potential cation channel subfamily M member 4; plus strand). Cytogenetic location: 19q13.33.
Variant type: single nucleotide variant.
Coding change: c.268-3C>T on transcript NM_017636.4 (MANE Select); 3 bases into the intron before coding-DNA position 268, C replaced by T.
Molecular consequence: intron variant.
Genome position (GRCh38, 1-based): chr19:49,167,914, C>T. VCF-style: chr19-49167914-C-T. GRCh37 (hg19) VCF-style: chr19-49671171-C-T.
Other names: c.268-3C>T (NM_001195227.2); c.-1105-346C>T (NM_001321282.2); c.268-639C>T (NM_001321281.2); c.-74-346C>T (NM_001321283.2); c.-237-639C>T (NM_001321285.2).
Identifiers: ClinVar variation 2803450 (VCV002803450.3), dbSNP rs754337596, ClinGen allele CA9568771.

ClinVar aggregate classification (germline): Uncertain significance (1 of 4 stars; one submission).

Conditions:
Progressive familial heart block type IB (PFHB1B). Identifiers: Orphanet 871, MedGen C1970298, MONDO:0011474, OMIM 604559.

Allele frequency attached by ClinVar (database versions not stated): gnomAD exomes below 0.00001; ExAC 0.00001.
gnomAD v4.1: 1 of 1,613,986 alleles (0.000062%); highest among the groups gnomAD compares: Admixed American, 0.0017%; no homozygotes.

Submission:

Labcorp Genetics (formerly Invitae), Labcorp
Classification: Uncertain significance for Progressive familial heart block type IB. Last evaluated: 2023-05-11. Review status: criteria provided, single submitter. Criteria: Invitae Variant Classification Sherloc (09022015). Collection method: clinical testing. Allele origin: germline.
Comment: In summary, the available evidence is currently insufficient to determine the role of this variant in disease. Therefore, it has been classified as a Variant of Uncertain Significance. Variants that disrupt the consensus splice site are a relatively common cause of aberrant splicing (PMID: 17576681, 9536098). Algorithms developed to predict the effect of sequence changes on RNA splicing suggest that this variant may disrupt the consensus splice site. This variant has not been reported in the literature in individuals affected with TRPM4-related conditions. The frequency data for this variant in the population databases is considered unreliable, as metrics indicate poor data quality at this position in the gnomAD database. This sequence change falls in intron 3 of the TRPM4 gene. It does not directly change the encoded amino acid sequence of the TRPM4 protein. It affects a nucleotide within the consensus splice site.

Literature cited by the submitters: PubMed 17576681; PubMed 9536098.